The following is an entry in ClinVar:

ClinVar aggregate classification (germline): Uncertain significance (1 of 4 stars; one submission).

Submission:

GeneDx
Classification: Uncertain significance. Last evaluated: 2025-04-23. Review status: criteria provided, single submitter. Criteria: GeneDx Variant Classification Process June 2021. Collection method: clinical testing. Allele origin: germline. Affected: yes.
Comment: Not observed at significant frequency in large population cohorts (gnomAD); In silico analysis supports that this missense variant has a deleterious effect on protein structure/function; Has not been previously published as pathogenic or benign to our knowledge; This variant is associated with the following publications: (PMID: 25512093, 25609763, 26100331)

NM_001376.5(DYNC1H1):c.5790C>G (p.Phe1930Leu)

Gene: DYNC1H1 (dynein cytoplasmic 1 heavy chain 1; plus strand). Cytogenetic location: 14q32.31.
Variant type: single nucleotide variant.
Coding change: c.5790C>G on transcript NM_001376.5 (MANE Select); coding-DNA position 5790, C replaced by G.
Protein change: p.Phe1930Leu; replaces phenylalanine 1930 with leucine.
Molecular consequence: missense variant.
Genome position (GRCh38, 1-based): chr14:102,007,081, C>G. VCF-style: chr14-102007081-C-G. GRCh37 (hg19) VCF-style: chr14-102473418-C-G.
Other names: short protein forms F1930L.
Identifiers: ClinVar variation 4527365 (VCV004527365.1).